The following is an entry in ClinVar:

NM_031885.5(BBS2):c.1673C>T (p.Thr558Ile)

Gene: BBS2 (Bardet-Biedl syndrome 2; minus strand). Cytogenetic location: 16q13.
Variant type: single nucleotide variant.
Coding change: c.1673C>T on transcript NM_031885.5 (MANE Select); coding-DNA position 1673, C replaced by T.
Protein change: p.Thr558Ile; replaces threonine 558 with isoleucine.
Molecular consequence: missense variant. On other transcripts: non-coding transcript variant (5).
Genome position (GRCh38, 1-based): chr16:56,497,867, G>A on the plus strand (C>T on the coding strand, the complement: BBS2 is on the minus strand). VCF-style: chr16-56497867-G-A. GRCh37 (hg19) VCF-style: chr16-56531779-G-A.
Other names: c.1673C>T (NM_031885.3); c.1673C>T, p.Thr558Ile (NM_001377456.1); short protein forms T558I.
Identifiers: ClinVar variation 1044521 (VCV001044521.10), dbSNP rs370581600, ClinGen allele CA8065643.

ClinVar aggregate classification (germline): Conflicting classifications of pathogenicity. Review status: criteria provided, conflicting classifications (1 of 4 stars). 5 submissions from 5 submitters: Likely pathogenic (1); Uncertain significance (2). 2 of the submissions do not count toward it. Last evaluated 2025-11-24.

Conditions:
Bardet-Biedl syndrome 2 (BBS2). Identifiers: Orphanet 110, MedGen C2936863, MONDO:0014432, OMIM 615981.
BBS2-related disorder. Also called: BBS2-related condition; BBS2-related disorders. Identifiers: MedGen CN239228.
Retinal dystrophy. Also called: Inherited retinal dystrophy. Identifiers: Orphanet 71862, MedGen C0854723, MeSH D058499, MONDO:0019118, HP:0000556.
Bardet-Biedl syndrome (BBS). Identifiers: Orphanet 110, MedGen C0752166, MONDO:0015229.

Allele frequency attached by ClinVar (database versions not stated): gnomAD exomes below 0.00001; ESP Exome Variant Server 0.00008; ExAC 0.00001; gnomAD 0.00001; TOPMed 0.00001.

Submissions (5):

Women's Health and Genetics/Laboratory Corporation of America, LabCorp
Classification: Uncertain significance. Last evaluated: 2025-11-24. Review status: criteria provided, single submitter. Criteria: LabCorp Variant Classification Summary - May 2015. Collection method: clinical testing. Allele origin: germline.
Comment: Variant summary: BBS2 c.1673C>T (p.Thr558Ile) results in a non-conservative amino acid change in the encoded protein sequence. Algorithms developed to predict the effect of missense changes on protein structure and function all suggest that this variant is likely to be disruptive. The variant was absent in 248692 control chromosomes. The available data on variant occurrences in the general population are insufficient to allow any conclusion about variant significance. c.1673C>T has been observed in the homozygous state in at least 2 individual(s) affected with Bardet-Biedl Syndrome who had possibly causative variants in other genes (example, Zaghloul_2010, Katsanis_2001, Katsanis_2002). Further, in 1 family this variant was found to be homozygous in 4 unffected family members (Katsanis_2002). One publication reports experimental evidence evaluating an impact on protein function, however, does not allow convincing conclusions about the variant effect (example, Zaghloul_2010). The following publications have been ascertained in the context of this evaluation (PMID: 20498079, 21157496, 37003573, 34426522, 31530639, 31964843, 25541840, 15224652, 14976158, 11567139, 12016587). ClinVar contains an entry for this variant (Variation ID: 1044521). Based on the evidence outlined above, the variant was classified as VUS-possibly benign.

Labcorp Genetics (formerly Invitae), Labcorp
Classification: Uncertain significance for Bardet-Biedl syndrome. Last evaluated: 2025-03-17. Review status: criteria provided, single submitter. Criteria: Invitae Variant Classification Sherloc (09022015). Collection method: clinical testing. Allele origin: germline.
Comment: This sequence change replaces threonine, which is neutral and polar, with isoleucine, which is neutral and non-polar, at codon 558 of the BBS2 protein (p.Thr558Ile). This variant is present in population databases (rs370581600, gnomAD 0.0009%). This missense change has been observed in individual(s) with Bardet-Biedl syndrome (PMID: 12016587). This missense change has been observed to be homozygous, hemizygous or homoplasmic in an individual who did not have the expected clinical features for that genetic result (PMID: 12016587). ClinVar contains an entry for this variant (Variation ID: 1044521). Invitae Evidence Modeling of protein sequence and biophysical properties (such as structural, functional, and spatial information, amino acid conservation, physicochemical variation, residue mobility, and thermodynamic stability) indicates that this missense variant is expected to disrupt BBS2 protein function with a positive predictive value of 80%. Experimental studies are conflicting or provide insufficient evidence to determine the effect of this variant on BBS2 function (PMID: 20498079). In summary, the available evidence is currently insufficient to determine the role of this variant in disease. Therefore, it has been classified as a Variant of Uncertain Significance.

Dept Of Ophthalmology, Nagoya University
Classification: Likely pathogenic for Retinal dystrophy. Last evaluated: 2023-10-01. Review status: criteria provided, single submitter. Criteria: Submitter's publication. Collection method: research. Allele origin: germline. Affected: yes.

PreventionGenetics, part of Exact Sciences
Classification: Uncertain significance for BBS2-related condition. Last evaluated: 2024-04-06. Review status: no assertion criteria provided. Collection method: clinical testing. Allele origin: germline. Not counted in ClinVar's aggregate classification.
Comment: The BBS2 c.1673C>T variant is predicted to result in the amino acid substitution p.Thr558Ile. This variant was reported in the homozygous state in an individual with Bardet-Biedl syndrome, although it was also found in the homozygous state in unaffected family members; the affected individual was also homozygous for a missense variant (p.Ala364Glu) in the BBS4 gene (Family PB043 in Figure 3, Katsanis et al. 2002. PubMed ID: 12016587). Functional studies suggested the p.Thr558Ile substitution may exhibit a dominant negative effect (Zaghloul et al. 2010. PubMed ID: 20498079). This variant has not been reported in a large population database, indicating this variant is rare. At this time, the clinical significance of this variant is uncertain due to the absence of conclusive functional and genetic evidence.

Natera, Inc.
Classification: Uncertain significance for Bardet-Biedl syndrome type 2. Last evaluated: 2020-03-02. Review status: no assertion criteria provided. Collection method: clinical testing. Allele origin: germline. Not counted in ClinVar's aggregate classification.

Literature cited by the submitters: PubMed 11567139 (cited by Women's Health and Genetics/Laboratory Corporation of America, LabCorp); PubMed 14976158 (cited by Women's Health and Genetics/Laboratory Corporation of America, LabCorp); PubMed 15224652 (cited by Women's Health and Genetics/Laboratory Corporation of America, LabCorp); PubMed 12016587 (cited by Women's Health and Genetics/Laboratory Corporation of America, LabCorp and Labcorp Genetics (formerly Invitae), Labcorp); PubMed 20498079 (cited by Women's Health and Genetics/Laboratory Corporation of America, LabCorp and Labcorp Genetics (formerly Invitae), Labcorp); PubMed 25541840 (cited by Women's Health and Genetics/Laboratory Corporation of America, LabCorp); PubMed 21157496 (cited by Women's Health and Genetics/Laboratory Corporation of America, LabCorp); PubMed 34426522 (cited by Women's Health and Genetics/Laboratory Corporation of America, LabCorp); PubMed 31964843 (cited by Women's Health and Genetics/Laboratory Corporation of America, LabCorp); PubMed 37003573 (cited by Women's Health and Genetics/Laboratory Corporation of America, LabCorp); PubMed 31530639 (cited by Women's Health and Genetics/Laboratory Corporation of America, LabCorp).